The following is an entry in ClinVar:

ClinVar aggregate classification (germline): Uncertain significance (1 of 4 stars; one submission).

Submission:

GeneDx
Classification: Uncertain significance. Last evaluated: 2022-12-14. Review status: criteria provided, single submitter. Criteria: GeneDx Variant Classification Process June 2021. Collection method: clinical testing. Allele origin: germline. Affected: yes.
Comment: Not observed at significant frequency in large population cohorts (gnomAD); In-frame deletion of 1 amino acid in a non-repeat region; In silico analysis supports a deleterious effect on protein structure/function; Has not been previously published as pathogenic or benign to our knowledge

NM_001366521.1(ATP2B1):c.2308_2310del (p.Pro770del)

Gene: ATP2B1 (ATPase plasma membrane Ca2+ transporting 1; minus strand). Cytogenetic location: 12q21.33.
Variant type: Deletion.
Coding change: c.2308_2310del on transcript NM_001366521.1 (MANE Select); coding-DNA positions 2308 to 2310, 3 bases deleted (CCT; older notation c.2308_2310delCCT).
Protein change: p.Pro770del; deletes proline 770.
Molecular consequence: inframe deletion. On other transcripts: non-coding transcript variant (3).
Genome position (GRCh38, 1-based): chr12:89,610,446-89,610,448, AGG deleted on the plus strand (CCT on the coding strand, the reverse complement: ATP2B1 is on the minus strand); deleting any 3 consecutive bases within chr12:89,610,446-89,610,450 gives the same sequence; the c. name uses the placement nearest the transcript's 3' end. VCF-style (leftmost placement, unchanged base first): chr12-89610445-TAGG-T. GRCh37 (hg19) VCF-style: chr12-90004222-TAGG-T.
Other names: c.2308_2310del, p.Pro770del (NM_001001323.2, NM_001366520.1, NM_001366522.1 and 12 more transcripts); c.2110_2112del, p.Pro704del (NM_001366530.1, NM_001413053.1); c.1747_1749del, p.Pro583del (NM_001366531.1, NM_001366532.1, NM_001413058.1 and 2 more transcripts); c.2269_2271del, p.Pro757del (NM_001413048.1); c.2167_2169del, p.Pro723del (NM_001413051.1, NM_001413052.1, NM_001413055.1); c.2065_2067del, p.Pro689del (NM_001413054.1); c.2053_2055del, p.Pro685del (NM_001413056.1); c.1855_1857del, p.Pro619del (NM_001413057.1); short protein forms P583del, P619del, P685del, P689del, P704del, P723del, P757del, P770del.
Identifiers: ClinVar variation 2506001 (VCV002506001.1), dbSNP rs2540883137, ClinGen allele CA2580616833.
Genomic context (GRCh38, chr12:89,610,445, plus strand): 5'-TTAAGAAATTGTGAAATAACTGAAAAATCTACTTACCTTTAACCAGTGTATGCTTATCAG[TAGG>T]AGATGATCTTGCAAGTACTCGAAGTTTTGGCCAAATCTTGTCTATCCTCTCTTGCTCAAT-3'